The following is an entry in ClinVar:

ClinVar aggregate classification (germline): Pathogenic (1 of 4 stars; one submission).

Conditions:
Tuberous sclerosis 2 (TSC2). Identifiers: Orphanet 805, MedGen C1860707, MONDO:0013199, OMIM 613254.

Submission:

Labcorp Genetics (formerly Invitae), Labcorp
Classification: Pathogenic for Tuberous sclerosis 2. Last evaluated: 2023-08-23. Review status: criteria provided, single submitter. Criteria: Invitae Variant Classification Sherloc (09022015). Collection method: clinical testing. Allele origin: germline.
Comment: For these reasons, this variant has been classified as Pathogenic. This variant has not been reported in the literature in individuals affected with TSC2-related conditions. This variant is not present in population databases (gnomAD no frequency). This sequence change creates a premature translational stop signal (p.Lys1251Serfs*74) in the TSC2 gene. It is expected to result in an absent or disrupted protein product. Loss-of-function variants in TSC2 are known to be pathogenic (PMID: 10205261, 17304050).

Literature cited by the submitters: PubMed 10205261; PubMed 17304050.

NM_000548.5(TSC2):c.3752del (p.Lys1251fs)

Gene: TSC2 (TSC complex subunit 2; plus strand). Cytogenetic location: 16p13.3.
Variant type: Deletion.
Coding change: c.3752del on transcript NM_000548.5 (MANE Select); coding-DNA position 3752, one base deleted (A; older notation c.3752delA).
Protein change: p.Lys1251fs; shifts the reading frame from lysine 1251.
Molecular consequence: frameshift variant. On other transcripts: non-coding transcript variant (5).
Genome position (GRCh38, 1-based): chr16:2,081,736, A deleted; the last of 2 consecutive A bases (chr16:2,081,735-2,081,736); deleting either gives the same sequence. VCF-style (leftmost placement, unchanged base first): chr16-2081734-CA-C. GRCh37 (hg19) VCF-style: chr16-2131735-CA-C.
Other names: c.3620del, p.Lys1207fs (NM_001077183.3, NM_001370404.1, NM_001406665.1); c.3752del, p.Lys1251fs (NM_001114382.3); c.3512del, p.Lys1171fs (NM_001318827.2); c.3476del, p.Lys1159fs (NM_001318829.2); c.3020del, p.Lys1007fs (NM_001318831.2, NM_001406687.1, NM_001406688.1); c.3653del, p.Lys1218fs (NM_001318832.2); c.3623del, p.Lys1208fs (NM_001363528.2, NM_001370405.1, NM_021055.3); c.3749del, p.Lys1250fs (NM_001406663.1, NM_001406664.1); and 18 more; short protein forms K1218fs, K1251fs, K673fs, K1008fs, K1050fs, K1159fs, K1207fs, K1237fs.
Identifiers: ClinVar variation 2751084 (VCV002751084.3), dbSNP rs2544160168, ClinGen allele CA2697549565.